The following is an entry in ClinVar:

NM_015443.4(KANSL1):c.2666+3A>G

Gene: KANSL1 (KAT8 regulatory NSL complex subunit 1). Cytogenetic location: 17q21.31.
Variant type: single nucleotide variant.
Coding change: c.2666+3A>G on transcript NM_015443.4 (MANE Select); 3 bases into the intron after coding-DNA position 2666, A replaced by G.
Molecular consequence: intron variant.
Genome position (GRCh38, 1-based): chr17:46,034,158, T>C on the plus strand (A>G on the coding strand, the complement: KANSL1 is on the minus strand). VCF-style: chr17-46034158-T-C. GRCh37 (hg19) VCF-style: chr17-44111524-T-C.
Other names: c.2663+3A>G (NM_001193465.2); c.2666+3A>G (NM_001379198.1, NM_001193466.2).
Identifiers: ClinVar variation 1304184 (VCV001304184.3), dbSNP rs2146324420, ClinGen allele CA2573054462.

ClinVar aggregate classification (germline): Uncertain significance (1 of 4 stars; one submission).

Submission:

GeneDx
Classification: Uncertain significance. Last evaluated: 2023-12-19. Review status: criteria provided, single submitter. Criteria: GeneDx Variant Classification Process June 2021. Collection method: clinical testing. Allele origin: germline. Affected: yes.
Comment: Not observed in large population cohorts (gnomAD); In silico analysis supports a deleterious effect on splicing; Has not been previously published as pathogenic or benign to our knowledge